The following is an entry in ClinVar:

NM_002439.5(MSH3):c.1215C>A (p.Phe405Leu)

Gene: MSH3 (mutS homolog 3; plus strand). Cytogenetic location: 5q14.1.
Variant type: single nucleotide variant.
Coding change: c.1215C>A on transcript NM_002439.5 (MANE Select); coding-DNA position 1215, C replaced by A.
Protein change: p.Phe405Leu; replaces phenylalanine 405 with leucine.
Molecular consequence: missense variant.
Genome position (GRCh38, 1-based): chr5:80,678,968, C>A. VCF-style: chr5-80678968-C-A. GRCh37 (hg19) VCF-style: chr5-79974787-C-A.
Other names: short protein forms F405L.
Identifiers: ClinVar variation 3222227 (VCV003222227.1), dbSNP rs1051811575, ClinGen allele CA360268901.

ClinVar aggregate classification (germline): Uncertain significance (1 of 4 stars; one submission).

Conditions:
Hereditary cancer-predisposing syndrome. Also called: Tumor predisposition; Hereditary neoplastic syndrome; Hereditary Cancer Syndrome; Neoplastic Syndromes, Hereditary. Identifiers: Orphanet 140162, MedGen C0027672, MeSH D009386, MONDO:0015356.

Allele frequency attached by ClinVar (database versions not stated): gnomAD exomes below 0.00001.
gnomAD v4.1: 1 of 1,614,066 alleles (0.000062%); highest among the groups gnomAD compares: Non-Finnish European, 0.000085%; no homozygotes.

Submission:

Ambry Genetics
Classification: Uncertain significance for Hereditary cancer-predisposing syndrome. Last evaluated: 2022-03-04. Review status: criteria provided, single submitter. Criteria: Ambry Variant Classification Scheme 2023. Collection method: clinical testing. Allele origin: germline.
Comment: The p.F405L variant (also known as c.1215C>A), located in coding exon 8 of the MSH3 gene, results from a C to A substitution at nucleotide position 1215. The phenylalanine at codon 405 is replaced by leucine, an amino acid with highly similar properties. This amino acid position is conserved. In addition, this alteration is predicted to be deleterious by in silico analysis. Since supporting evidence is limited at this time, the clinical significance of this alteration remains unclear.